The following is an entry in ClinVar:

ClinVar aggregate classification (germline): Conflicting classifications of pathogenicity. Review status: criteria provided, conflicting classifications (1 of 4 stars). 4 submissions from 4 submitters: Uncertain significance (3); Likely benign (1). Last evaluated 2024-10-23.

Conditions:
Cardiovascular phenotype. Identifiers: MedGen CN230736.
Telangiectasia, hereditary hemorrhagic, type 2 (HHT2). Also called: ACVRL1-Related Hereditary Hemorrhagic Telangiectasia; Telangiectasia, hereditary hemorrhagic, type II. Identifiers: Orphanet 774, MedGen C1838163, MONDO:0010880, OMIM 600376. Disease mechanism: loss of function.

Allele frequency attached by ClinVar (database versions not stated): gnomAD exomes below 0.00001 and 0.00001; ExAC 0.00001; gnomAD 0.00001; TOPMed 0.00002.

Submissions (4):

Blueprint Genetics
Classification: Likely benign. Last evaluated: 2024-10-23. Review status: criteria provided, single submitter. Criteria: ACMG Guidelines, 2015. Collection method: clinical testing. Allele origin: germline.

Ambry Genetics
Classification: Uncertain significance for Cardiovascular phenotype. Last evaluated: 2021-06-25. Review status: criteria provided, single submitter. Criteria: Ambry Variant Classification Scheme 2023. Collection method: clinical testing. Allele origin: germline.
Comment: The p.M173T variant (also known as c.518T>C), located in coding exon 3 of the ACVRL1 gene, results from a T to C substitution at nucleotide position 518. The methionine at codon 173 is replaced by threonine, an amino acid with similar properties. This amino acid position is conserved. In addition, this alteration is predicted to be tolerated by in silico analysis. Since supporting evidence is limited at this time, the clinical significance of this alteration remains unclear.

Illumina Laboratory Services, Illumina
Classification: Uncertain significance for Telangiectasia, hereditary hemorrhagic, type 2. Last evaluated: 2018-01-12. Review status: criteria provided, single submitter. Criteria: ICSL Variant Classification Criteria 13 December 2019. Collection method: clinical testing. Allele origin: germline.

Labcorp Genetics (formerly Invitae), Labcorp
Classification: Uncertain significance for Telangiectasia, hereditary hemorrhagic, type 2. Last evaluated: 2017-08-31. Review status: criteria provided, single submitter. Criteria: Invitae Variant Classification Sherloc (09022015). Collection method: clinical testing. Allele origin: germline.
Comment: This sequence change replaces methionine with threonine at codon 173 of the ACVRL1 protein (p.Met173Thr). The methionine residue is highly conserved and there is a moderate physicochemical difference between methionine and threonine. This variant is present in population databases (rs754813319, ExAC 0.002%). This variant has not been reported in the literature in individuals with ACVRL1-related disease. ClinVar contains an entry for this variant (Variation ID: 309442). Algorithms developed to predict the effect of missense changes on protein structure and function output the following: SIFT: "Tolerated"; PolyPhen-2: "Benign"; Align-GVGD: "Class C0". The threonine amino acid residue is found in multiple mammalian species, suggesting that this missense change does not adversely affect protein function. These predictions have not been confirmed by published functional studies and their clinical significance is uncertain. In summary, the available evidence is currently insufficient to determine the role of this variant in disease. Therefore, it has been classified as a Variant of Uncertain Significance.

NM_000020.3(ACVRL1):c.518T>C (p.Met173Thr)

Gene: ACVRL1 (activin A receptor like type 1; plus strand). Cytogenetic location: 12q13.13.
Variant type: single nucleotide variant.
Coding change: c.518T>C on transcript NM_000020.3 (MANE Select); coding-DNA position 518, T replaced by C.
Protein change: p.Met173Thr; replaces methionine 173 with threonine.
Molecular consequence: missense variant.
Genome position (GRCh38, 1-based): chr12:51,913,763, T>C. VCF-style: chr12-51913763-T-C. GRCh37 (hg19) VCF-style: chr12-52307547-T-C.
Other names: c.518T>C, p.Met173Thr (NM_001077401.2); short protein forms M173T.
Identifiers: ClinVar variation 309442 (VCV000309442.8), dbSNP rs754813319, ClinGen allele CA6572918.